The following is an entry in ClinVar:

ClinVar aggregate classification (germline): Uncertain significance. Review status: criteria provided, multiple submitters, no conflicts (2 of 4 stars). 2 submissions from 2 submitters: Uncertain significance (2). Last evaluated 2024-11-11.

Conditions:
Generalized epilepsy-paroxysmal dyskinesia syndrome (PNKD3). Also called: Generalized epilepsy and paroxysmal dyskinesia; Paroxysmal nonkinesigenic dyskinesia, 3, with or without generalized epilepsy. Identifiers: Orphanet 79137, MedGen C5574945, MONDO:0012276, OMIM 609446.

gnomAD v4.1: 1 of 1,607,702 alleles (0.000062%); highest among the groups gnomAD compares: Non-Finnish European, 0.000085%; no homozygotes.

Submissions (2):

Labcorp Genetics (formerly Invitae), Labcorp
Classification: Uncertain significance for Generalized epilepsy-paroxysmal dyskinesia syndrome. Last evaluated: 2024-11-11. Review status: criteria provided, single submitter. Criteria: Invitae Variant Classification Sherloc (09022015). Collection method: clinical testing. Allele origin: germline.
Comment: This sequence change replaces glycine, which is neutral and non-polar, with aspartic acid, which is acidic and polar, at codon 123 of the KCNMA1 protein (p.Gly123Asp). This variant is not present in population databases (gnomAD no frequency). This variant has not been reported in the literature in individuals affected with KCNMA1-related conditions. ClinVar contains an entry for this variant (Variation ID: 1023784). An algorithm developed to predict the effect of missense changes on protein structure and function (PolyPhen-2) suggests that this variant is likely to be tolerated. In summary, the available evidence is currently insufficient to determine the role of this variant in disease. Therefore, it has been classified as a Variant of Uncertain Significance.

GeneDx
Classification: Uncertain significance. Last evaluated: 2021-06-15. Review status: criteria provided, single submitter. Criteria: GeneDx Variant Classification Process June 2021. Collection method: clinical testing. Allele origin: germline. Affected: yes.
Comment: Not observed at significant frequency in large population cohorts (gnomAD); In silico analysis supports that this missense variant does not alter protein structure/function; Has not been previously published as pathogenic or benign to our knowledge; This variant is associated with the following publications: (PMID: 27535533)

NM_001161352.2(KCNMA1):c.368G>A (p.Gly123Asp)

Gene: KCNMA1 (potassium calcium-activated channel subfamily M alpha 1; minus strand). Cytogenetic location: 10q22.3.
Variant type: single nucleotide variant.
Coding change: c.368G>A on transcript NM_001161352.2 (MANE Select); coding-DNA position 368, G replaced by A.
Protein change: p.Gly123Asp; replaces glycine 123 with aspartic acid.
Molecular consequence: missense variant.
Genome position (GRCh38, 1-based): chr10:77,637,275, C>T on the plus strand (G>A on the coding strand, the complement: KCNMA1 is on the minus strand). VCF-style: chr10-77637275-C-T. GRCh37 (hg19) VCF-style: chr10-79397033-C-T.
Other names: c.368G>A (NM_002247.3); c.368G>A, p.Gly123Asp (NM_001014797.3, NM_001161353.2, NM_001271518.2 and 12 more transcripts); short protein forms G123D.
Identifiers: ClinVar variation 1023784 (VCV001023784.10), dbSNP rs2093865429, ClinGen allele CA377412186.
Genomic context (GRCh38, chr10:77,637,275, plus strand): 5'-GAGAAGCGGTGGGGCTGGCGCAGAGGGCGGGCGCCCGGGGCGCGCGTTACCTTCGTCTTG[C>T]CCCCGCAGTGGCAGCACACGGTCCACAGGTACTTGAGCGTCCGCCAGAGCAAGATGATGA-3'
Protein context (NP_001154824.1, residues 113-133): YLWTVCCHCG[Gly123Asp]KTKEAQKINN